The following is an entry in ClinVar:

ClinVar aggregate classification (germline): Pathogenic (1 of 4 stars; one submission).

Conditions:
Ataxia-telangiectasia syndrome (AT). Also called: Ataxia-telangiectasia, complementation group E; LOUIS-BAR SYNDROME; Ataxia-telangiectasia, complementation group D; AT, COMPLEMENTATION GROUP C; Ataxia-telangiectasia; Cerebello-oculocutaneous telangiectasia. Identifiers: Orphanet 100, MedGen C0004135, MONDO:0008840, OMIM 208900.

Submission:

Labcorp Genetics (formerly Invitae), Labcorp
Classification: Pathogenic for Ataxia-telangiectasia syndrome. Last evaluated: 2021-05-19. Review status: criteria provided, single submitter. Criteria: Invitae Variant Classification Sherloc (09022015). Collection method: clinical testing. Allele origin: germline.
Comment: For these reasons, this variant has been classified as Pathogenic. Retrotransposon insertions including LINE1 (L1), Alu, and SVA (SINE-VNTR-Alu) have been reported to be disease-causing through disruption of either a coding region or splice site (PMID: 19763152, 20307669, 22406018) and loss-of-function variants in ATM are known to be pathogenic (PMID: 23807571, 25614872). Algorithms developed to predict the effect of sequence changes on RNA splicing suggest that this variant may create or strengthen a splice site, but this prediction has not been confirmed by published transcriptional studies. This variant has not been reported in the literature in individuals with ATM-related conditions. This variant is not present in population databases (ExAC no frequency). This sequence change inserts a large fragment of DNA, likely a transposable element, in exon 23 of the ATM gene (c.3376_3377ins?), causing a frameshift at codon 1125 (p.Leu1125fs). The exact size and sequence of the insertion cannot be determined by the current assay. However, the insertion is expected to result in an absent or disrupted protein product.

Literature cited by the submitters: PubMed 19763152; PubMed 20307669; PubMed 22406018; PubMed 23807571; PubMed 25614872.

NM_000051.4(ATM):c.3376_3377insGGCCGGGCGCGGTGGCTCACGCCTGTAATCCCAGCACTTTGGGAGGCCGAGGCGGGCGGATCACGAGGTCAGGAGATCGAGACCATCCCGGCTAAAACGGTGAAACCNNNNNNNNNNAAAAAAAAAAAAAAAAAAAAGAAAATGCATACTTGA (p.Lys1126delinsArgProGlyAlaValAlaHisAlaCysAsnProSerThrLeuGlyGlyArgGlyGlyArgIleThrArgSerGlyAspArgAspHisProGlyTer)

Gene: ATM (ATM serine/threonine kinase; plus strand). Cytogenetic location: 11q22.3.
Variant type: Insertion.
Coding change: c.3376_3377insGGCCGGGCGCGGTGGCTCACGCCTGTAATCCCAGCACTTTGGGAGGCCGAGGCGGGCGGATCACGAGGTCAGGAGATCGAGACCATCCCGGCTAAAACGGTGAAACCNNNNNNNNNNAAAAAAAAAAAAAAAAAAAAGAAAATGCATACTTGA on transcript NM_000051.4 (MANE Select); coding-DNA positions 3376 to 3377, GGCCGGGCGCGGTGGCTCACGCCTGTAATCCCAGCACTTTGGGAGGCCGAGGCGGGCGGATCACGAGGTCAGGAGATCGAGACCATCCCGGCTAAAACGGTGAAACCNNNNNNNNNNAAAAAAAAAAAAAAAAAAAAGAAAATGCATACTTGA inserted.
Protein change: p.Lys1126delinsArgProGlyAlaValAlaHisAlaCysAsnProSerThrLeuGlyGlyArgGlyGlyArgIleThrArgSerGlyAspArgAspHisProGlyTer.
Molecular consequence: nonsense.
Genome position: GRCh38: chr11:108,279,582-108,279,583. GRCh37 (hg19): chr11:108,150,309-108,150,310.
Other names: c.3376_3377insGGCCGGGCGCGGTGGCTCACGCCTGTAATCCCAGCACTTTGGGAGGCCGAGGCGGGCGGATCACGAGGTCAGGAGATCGAGACCATCCCGGCTAAAACGGTGAAACCNNNNNNNNNNAAAAAAAAAAAAAAAAAAAAGAAAATGCATACTTGA, p.Lys1126delinsArgProGlyAlaValAlaHisAlaCysAsnProSerThrLeuGlyGlyArgGlyGlyArgIleThrArgSerGlyAspArgAspHisProGlyTer (NM_001351834.2).
Identifiers: ClinVar variation 1453116 (VCV001453116.6), dbSNP rs2135644510.